The following is an entry in ClinVar:

ClinVar aggregate classification (germline): Uncertain significance (1 of 4 stars; one submission).

gnomAD v4.1: 1 of 1,612,880 alleles (0.000062%); highest among the groups gnomAD compares: Admixed American, 0.0017%; no homozygotes.

Submission:

Labcorp Genetics (formerly Invitae), Labcorp
Classification: Uncertain significance. Last evaluated: 2025-12-24. Review status: criteria provided, single submitter. Criteria: Invitae Variant Classification Sherloc (09022015). Collection method: clinical testing. Allele origin: germline.
Comment: This sequence change replaces histidine, which is basic and polar, with leucine, which is neutral and non-polar, at codon 647 of the ABCC6 protein (p.His647Leu). This variant is not present in population databases (gnomAD no frequency). This variant has not been reported in the literature in individuals affected with ABCC6-related conditions. Invitae Evidence Modeling of protein sequence and biophysical properties (such as structural, functional, and spatial information, amino acid conservation, physicochemical variation, residue mobility, and thermodynamic stability) indicates that this missense variant is not expected to disrupt ABCC6 protein function with a negative predictive value of 80%. In summary, the available evidence is currently insufficient to determine the role of this variant in disease. Therefore, it has been classified as a Variant of Uncertain Significance.

NM_001171.6(ABCC6):c.1940A>T (p.His647Leu)

Gene: ABCC6 (ATP binding cassette subfamily C member 6; minus strand). Cytogenetic location: 16p13.11.
Variant type: single nucleotide variant.
Coding change: c.1940A>T on transcript NM_001171.6 (MANE Select); coding-DNA position 1940, A replaced by T.
Protein change: p.His647Leu; replaces histidine 647 with leucine.
Molecular consequence: missense variant. On other transcripts: non-coding transcript variant (4).
Genome position (GRCh38, 1-based): chr16:16,184,962, T>A on the plus strand (A>T on the coding strand, the complement: ABCC6 is on the minus strand). VCF-style: chr16-16184962-T-A. GRCh37 (hg19) VCF-style: chr16-16278819-T-A.
Other names: c.1598A>T, p.His533Leu (NM_001351800.1); c.1940A>T, p.His647Leu (NM_001440309.1, NM_001440310.1); short protein forms H647L, H533L.
Identifiers: ClinVar variation 4740343 (VCV004740343.1).